The following is an entry in ClinVar:

ClinVar aggregate classification (germline): Uncertain significance. Review status: criteria provided, single submitter (1 of 4 stars). 2 submissions from 2 submitters: Uncertain significance (1). 1 of the submissions does not count toward it. Last evaluated 2016-06-16.

Conditions:
Primary ciliary dyskinesia. Also called: Ciliary dyskinesia. Identifiers: Orphanet 244, MedGen C0008780, MONDO:0016575, HP:0012265.

Submissions (2):

Labcorp Genetics (formerly Invitae), Labcorp
Classification: Uncertain significance for Primary ciliary dyskinesia. Last evaluated: 2016-06-16. Review status: criteria provided, single submitter. Criteria: Invitae Variant Classification Sherloc (09022015). Collection method: clinical testing. Allele origin: germline.
Comment: This sequence change replaces leucine with arginine at codon 213 of the DNAI2 protein (p.Leu213Arg). The leucine residue is highly conserved and there is a moderate physicochemical difference between leucine and arginine. In summary, this variant is a novel missense change with uncertain impact on protein function. It has been classified as a Variant of Uncertain Significance. Algorithms developed to predict the effect of missense changes on protein structure and function do not agree on the potential impact of this missense change (SIFT: "Deleterious"; PolyPhen-2: "Probably Damaging"; Align-GVGD: "Class C0"). This variant is not present in population databases (ExAC no frequency) and has not been reported in the literature in individuals with a DNAI2-related disease.

Natera, Inc.
Classification: Uncertain significance for Primary ciliary dyskinesia. Last evaluated: 2025-03-26. Review status: no assertion criteria provided. Collection method: clinical testing. Allele origin: germline. Not counted in ClinVar's aggregate classification.

NM_023036.6(DNAI2):c.638T>G (p.Leu213Arg)

Gene: DNAI2 (dynein axonemal intermediate chain 2; plus strand). Cytogenetic location: 17q25.1.
Variant type: single nucleotide variant.
Coding change: c.638T>G on transcript NM_023036.6 (MANE Select); coding-DNA position 638, T replaced by G.
Protein change: p.Leu213Arg; replaces leucine 213 with arginine.
Molecular consequence: missense variant. On other transcripts: non-coding transcript variant (1).
Genome position (GRCh38, 1-based): chr17:74,291,047, T>G. VCF-style: chr17-74291047-T-G. GRCh37 (hg19) VCF-style: chr17-72287186-T-G.
Other names: c.638T>G, p.Leu213Arg (NM_001172810.3, NM_001353167.2); c.638T>G (NM_023036.5); short protein forms L213R.
Identifiers: ClinVar variation 408968 (VCV000408968.10), dbSNP rs1060502201, ClinGen allele CA16615674.